The following is an entry in ClinVar:

ClinVar aggregate classification (germline): Benign. Review status: criteria provided, single submitter (1 of 4 stars). 2 submissions from 2 submitters: Benign (1). 1 of the submissions does not count toward it. Last evaluated 2026-01-06.

Conditions:
TCF3-related disorder. Also called: TCF3-related condition.

Allele frequency attached by ClinVar (database versions not stated): gnomAD exomes 0.00004 and 0.00009; ExAC 0.00012; gnomAD 0.00033 and 0.00034; TOPMed 0.00037; ESP Exome Variant Server 0.00039; 1000 Genomes Project 30x 0.00047; 1000 Genomes Project 0.00060.
gnomAD v4.1: 110 of 1,586,366 alleles (0.0069%); highest among the groups gnomAD compares: African/African-American, 0.12%; no homozygotes.

Submissions (2):

Labcorp Genetics (formerly Invitae), Labcorp
Classification: Benign. Last evaluated: 2026-01-06. Review status: criteria provided, single submitter. Criteria: Invitae Variant Classification Sherloc (09022015). Collection method: clinical testing. Allele origin: germline.

PreventionGenetics, part of Exact Sciences
Classification: Likely benign for TCF3-related condition. Last evaluated: 2020-01-29. Review status: no assertion criteria provided. Collection method: clinical testing. Allele origin: germline. Not counted in ClinVar's aggregate classification.
Comment: This variant is classified as likely benign based on ACMG/AMP sequence variant interpretation guidelines (Richards et al. 2015 PMID: 25741868, with internal and published modifications).

NM_003200.5(TCF3):c.1188C>T (p.His396=)

Gene: TCF3 (transcription factor 3; minus strand). Cytogenetic location: 19p13.3.
Variant type: single nucleotide variant.
Coding change: c.1188C>T on transcript NM_003200.5 (MANE Select); coding-DNA position 1188, C replaced by T.
Protein change: p.His396=; no amino-acid change (histidine 396 retained).
Molecular consequence: synonymous variant.
Genome position (GRCh38, 1-based): chr19:1,619,454, G>A on the plus strand (C>T on the coding strand, the complement: TCF3 is on the minus strand). VCF-style: chr19-1619454-G-A. GRCh37 (hg19) VCF-style: chr19-1619453-G-A.
Other names: c.1188C>T (NM_003200.3); c.1188C>T, p.His396= (NM_001136139.4, NM_001351779.2); c.1185C>T, p.His395= (NM_001351778.2).
Identifiers: ClinVar variation 1167940 (VCV001167940.11), dbSNP rs80338425, ClinGen allele CA9049985.